The following is an entry in ClinVar:

ClinVar aggregate classification (germline): Uncertain significance. Review status: criteria provided, multiple submitters, no conflicts (2 of 4 stars). 2 submissions from 2 submitters: Uncertain significance (2). Last evaluated 2022-07-15.

Conditions:
Inborn genetic diseases. Identifiers: MedGen C0950123, MeSH D030342.
DeSanto-Shinawi syndrome due to WAC point mutation (DESSH). Also called: WAC-Related Intellectual Disability; DEVELOPMENTAL DELAY, BEHAVIORAL ABNORMALITIES, FACIAL DYSMORPHISM, AND OCULAR ABNORMALITIES; Facial dysmorphism-developmental delay-behavioral abnormalities syndrome due to WAC point mutation. Identifiers: Orphanet 284169, Orphanet 466950, MedGen C5681129, MONDO:0014741, OMIM 616708.

Submissions (2):

MGZ Medical Genetics Center
Classification: Uncertain significance for DeSanto-Shinawi syndrome due to WAC point mutation. Last evaluated: 2022-07-15. Review status: criteria provided, single submitter. Criteria: ACMG Guidelines, 2015. Collection method: clinical testing. Allele origin: germline. Affected: yes. Observed: 1 variant allele.
Comment: ACMG criteria applied: PM2_SUP, PP3

Ambry Genetics
Classification: Uncertain significance for Inborn genetic diseases. Last evaluated: 2022-03-16. Review status: criteria provided, single submitter. Criteria: Ambry Variant Classification Scheme 2023. Collection method: clinical testing. Allele origin: germline.

NM_016628.5(WAC):c.469T>C (p.Trp157Arg)

Gene: WAC (WW domain containing adaptor with coiled-coil; plus strand). Cytogenetic location: 10p12.1.
Variant type: single nucleotide variant.
Coding change: c.469T>C on transcript NM_016628.5 (MANE Select); coding-DNA position 469, T replaced by C.
Protein change: p.Trp157Arg; replaces tryptophan 157 with arginine.
Molecular consequence: missense variant.
Genome position (GRCh38, 1-based): chr10:28,589,823, T>C. VCF-style: chr10-28589823-T-C. GRCh37 (hg19) VCF-style: chr10-28878752-T-C.
Other names: c.469T>C (NM_016628.4); c.334T>C, p.Trp112Arg (NM_100264.3); c.469T>C, p.Trp157Arg (NM_100486.4); short protein forms W112R, W157R.
Identifiers: ClinVar variation 1709606 (VCV001709606.5), dbSNP rs2491966321, ClinGen allele CA376401464.